The following is an entry in ClinVar:

ClinVar aggregate classification (germline): Pathogenic/Likely pathogenic. Review status: criteria provided, multiple submitters, no conflicts (2 of 4 stars). 2 submissions from 2 submitters: Pathogenic (1); Likely pathogenic (1). Last evaluated 2025-11-25.

Conditions:
Cardiovascular phenotype. Identifiers: MedGen CN230736.
Dilated cardiomyopathy 1G (CMD1G). Identifiers: Orphanet 154, MedGen C1858763, MONDO:0011400, OMIM 604145.

Submissions (2):

Ambry Genetics
Classification: Pathogenic for Cardiovascular phenotype. Last evaluated: 2025-11-25. Review status: criteria provided, single submitter. Criteria: Ambry Variant Classification Scheme 2023. Collection method: clinical testing. Allele origin: germline.
Comment: The c.26828_26829insC pathogenic mutation, located in coding exon 107 of the TTN gene, results from an insertion of one nucleotide at position 26828, causing a translational frameshift with a predicted alternate stop codon (p.E8943Dfs*5). This exon is located in the A-band region of the N2-B isoform of the titin protein and is constitutively expressed in TTN transcripts (percent spliced in or PSI 100%). This variant was reported in individual(s) with features consistent with dilated cardiomyopathy (Ambry internal data). This variant is considered to be rare based on population cohorts in the Genome Aggregation Database (gnomAD). This variant is expected to result in loss of function by premature protein truncation or nonsense-mediated mRNA decay. While truncating variants in TTN are present in 1-3% of the general population, truncating variants in the A-band are the most common cause of dilated cardiomyopathy (Herman DS et al. N. Engl. J. Med., 2012 Feb;366:619-28; Roberts AM et al. Sci Transl Med, 2015 Jan;7:270ra6). TTN truncating variants encoded in constitutive exons (PSI >90%) have been found to be significantly associated with DCM regardless of their position in titin (Schafer S et al. Nat. Genet., 2017 01;49:46-53; Akhtar MM et al. Circ Heart Fail, 2020 Oct;13:e006832; Massier M et al. Clin Genet, 2025 Jan). Based on the supporting evidence, this variant is interpreted as a disease-causing mutation.

Genomic Medicine Lab, University of California San Francisco
Classification: Likely pathogenic for Dilated cardiomyopathy 1G. Last evaluated: 2023-04-06. Review status: criteria provided, single submitter. Criteria: ACMG Guidelines, 2015. Collection method: clinical testing. Allele origin: unknown. Affected: yes.

NM_001267550.2(TTN):c.54023_54024insC (p.Glu18008fs)

Genes: TTN-AS1 (TTN antisense RNA 1; plus strand), TTN (titin; minus strand). Cytogenetic location: 2q31.2.
Variant type: Insertion.
Coding change: c.54023_54024insC on transcript NM_001267550.2 (MANE Select); coding-DNA positions 54023 to 54024, C inserted.
Protein change: p.Glu18008fs; shifts the reading frame from glutamic acid 18008.
Molecular consequence: frameshift variant. On other transcripts: non-coding transcript variant (1).
Genome position: GRCh38 VCF-style: chr2-178605153-T-TG. GRCh37 (hg19) VCF-style: chr2-179469880-T-TG.
Other names: c.49100_49101insC, p.Glu16367fs (NM_001256850.1); c.26828_26829insC, p.Glu8943fs (NM_003319.4); c.46319_46320insC, p.Glu15440fs (NM_133378.4); c.27203_27204insC, p.Glu9068fs (NM_133432.3); c.27404_27405insC, p.Glu9135fs (NM_133437.4); short protein forms E18008fs, E9135fs, E15440fs, E16367fs, E8943fs, E9068fs.
Identifiers: ClinVar variation 1794690 (VCV001794690.5), dbSNP rs2470175213, ClinGen allele CA2580064917.